The following is an entry in ClinVar:

NM_015922.3(NSDHL):c.937G>A (p.Val313Met)

Gene: NSDHL (NAD(P) dependent 3-beta-hydroxysteroid dehydrogenase NSDHL; plus strand). Cytogenetic location: Xq28.
Variant type: single nucleotide variant.
Coding change: c.937G>A on transcript NM_015922.3 (MANE Select); coding-DNA position 937, G replaced by A.
Protein change: p.Val313Met; replaces valine 313 with methionine.
Molecular consequence: missense variant.
Genome position (GRCh38, 1-based): chrX:152,868,931, G>A. VCF-style: chrX-152868931-G-A. GRCh37 (hg19) VCF-style: chrX-152037475-G-A.
Other names: c.937G>A (NM_015922.2); c.937G>A, p.Val313Met (NM_001129765.2); short protein forms V313M.
Identifiers: ClinVar variation 1018166 (VCV001018166.9), dbSNP rs1057173483, ClinGen allele CA337613776.
Genomic context (GRCh38, chrX:152,868,931, plus strand): 5'-TACCACATCCCCTACTGGGTGGCCTACTACCTGGCCCTCCTGCTATCCCTGCTGGTGATG[G>A]TGATCAGTCCTGTCATCCAGCTGCAGCCCACCTTCACACCCATGCGGGTCGCACTGGCTG-3'
Protein context (NP_057006.1, residues 303-323): LALLLSLLVM[Val313Met]ISPVIQLQPT

ClinVar aggregate classification (germline): Uncertain significance. Review status: criteria provided, multiple submitters, no conflicts (2 of 4 stars). 2 submissions from 2 submitters: Uncertain significance (2). Last evaluated 2026-04-28.

Conditions:
Inborn genetic diseases. Identifiers: MedGen C0950123, MeSH D030342.

Allele frequency attached by ClinVar (database versions not stated): gnomAD exomes below 0.00001 and 0.00001; TOPMed 0.00001.

Submissions (2):

Ambry Genetics
Classification: Uncertain significance for Inborn genetic diseases. Last evaluated: 2026-04-28. Review status: criteria provided, single submitter. Criteria: Ambry Variant Classification Scheme 2023. Collection method: clinical testing. Allele origin: germline.
Comment: The c.937G>A (p.V313M) alteration is located in exon 8 (coding exon 7) of the NSDHL gene. This alteration results from a G to A substitution at nucleotide position 937, causing the valine (V) at amino acid position 313 to be replaced by a methionine (M). Based on data from gnomAD, the A allele has an overall frequency of <0.001% (1/183429) total alleles studied. The highest observed frequency was 0.004% (1/27425) of Latino alleles. Based on insufficient or conflicting evidence, the clinical significance of this alteration remains unclear.

Labcorp Genetics (formerly Invitae), Labcorp
Classification: Uncertain significance. Last evaluated: 2025-01-29. Review status: criteria provided, single submitter. Criteria: Invitae Variant Classification Sherloc (09022015). Collection method: clinical testing. Allele origin: germline.
Comment: This sequence change replaces valine, which is neutral and non-polar, with methionine, which is neutral and non-polar, at codon 313 of the NSDHL protein (p.Val313Met). This variant is present in population databases (no rsID available, gnomAD 0.004%). This variant has not been reported in the literature in individuals affected with NSDHL-related conditions. ClinVar contains an entry for this variant (Variation ID: 1018166). An algorithm developed to predict the effect of missense changes on protein structure and function (PolyPhen-2) suggests that this variant is likely to be tolerated. In summary, the available evidence is currently insufficient to determine the role of this variant in disease. Therefore, it has been classified as a Variant of Uncertain Significance.